The following is an entry in ClinVar:

ClinVar aggregate classification (germline): Likely pathogenic. Review status: criteria provided, multiple submitters, no conflicts (2 of 4 stars). 2 submissions from 2 submitters: Likely pathogenic (2). Last evaluated 2016-08-02.

Conditions:
Cerebrooculofacioskeletal syndrome 3 (COFS3). Identifiers: MedGen C1851443, MONDO:0014696, OMIM 616570.
Xeroderma pigmentosum, group G (XPG). Also called: ERCC5-Related Xeroderma Pigmentosum; XERODERMA PIGMENTOSUM VII; XP, GROUP G; Xeroderma pigmentosum type 7. Identifiers: MedGen C0268141, MONDO:0010216, OMIM 278780.

gnomAD v4.1: 22 of 1,614,068 alleles (0.0014%); highest among the groups gnomAD compares: Non-Finnish European, 0.0018%; no homozygotes.

Submissions (2):

Eurofins Ntd Llc (ga)
Classification: Likely pathogenic. Last evaluated: 2016-08-02. Review status: criteria provided, single submitter. Criteria: EGL Classification Definitions 2015. Collection method: clinical testing. Allele origin: germline. Observed: 1 variant allele, 1 heterozygote.

Juno Genomics, Hangzhou Juno Genomics, Inc
Classification: Likely pathogenic for Cerebrooculofacioskeletal syndrome 3; Xeroderma pigmentosum, group G. Review status: criteria provided, single submitter. Criteria: ACMG Guidelines, 2015. Collection method: clinical testing. Allele origin: germline.
Comment: Null variant in a gene where loss of function (LOF) is a known mechanism of disease.;Absent from controls (or at extremely low frequency if recessive) in Genome Aggregation Database.

NM_000123.4(ERCC5):c.2678+1G>A

Genes: BIVM-ERCC5 (BIVM-ERCC5 readthrough; plus strand), ERCC5 (ERCC excision repair 5, endonuclease; plus strand). Cytogenetic location: 13q33.1.
Variant type: single nucleotide variant.
Coding change: c.2678+1G>A on transcript NM_000123.4 (MANE Select); the canonical splice donor site of the intron after coding-DNA position 2678, G replaced by A.
Molecular consequence: splice donor variant.
Genome position (GRCh38, 1-based): chr13:102,868,258, G>A. VCF-style: chr13-102868258-G-A. GRCh37 (hg19) VCF-style: chr13-103520608-G-A.
Other names: c.4040+1G>A (NM_001204425.2).
Identifiers: ClinVar variation 289965 (VCV000289965.7), dbSNP rs886044319, ClinGen allele CA10606612.